The following is an entry in ClinVar:

ClinVar aggregate classification (germline): Uncertain significance (1 of 4 stars; one submission).

Conditions:
Inborn genetic diseases. Identifiers: MedGen C0950123, MeSH D030342.

gnomAD v4.1: 2 of 1,610,696 alleles (0.00012%); highest among the groups gnomAD compares: Non-Finnish European, 0.00017%; no homozygotes.

Submission:

Ambry Genetics
Classification: Uncertain significance for Inborn genetic diseases. Last evaluated: 2025-05-06. Review status: criteria provided, single submitter. Criteria: Ambry Variant Classification Scheme 2023. Collection method: clinical testing. Allele origin: germline.
Comment: The p.P94T variant (also known as c.280C>A), located in coding exon 3 of the ELANE gene, results from a C to A substitution at nucleotide position 280. The proline at codon 94 is replaced by threonine, an amino acid with highly similar properties. This amino acid position is conserved. In addition, this alteration is predicted to be tolerated by in silico analysis. Based on the available evidence, the clinical significance of this variant remains unclear.

NM_001972.4(ELANE):c.280C>A (p.Pro94Thr)

Gene: ELANE (elastase, neutrophil expressed; plus strand). Cytogenetic location: 19p13.3.
Variant type: single nucleotide variant.
Coding change: c.280C>A on transcript NM_001972.4 (MANE Select); coding-DNA position 280, C replaced by A.
Protein change: p.Pro94Thr; replaces proline 94 with threonine.
Molecular consequence: missense variant.
Genome position (GRCh38, 1-based): chr19:853,317, C>A. VCF-style: chr19-853317-C-A. GRCh37 (hg19) VCF-style: chr19-853317-C-A.
Other names: short protein forms P94T.
Identifiers: ClinVar variation 3088122 (VCV003088122.2), dbSNP rs1181023169, ClinGen allele CA402915969.